The following is an entry in ClinVar:

NM_004614.5(TK2):c.655T>C (p.Trp219Arg)

Gene: TK2 (thymidine kinase 2; minus strand). Cytogenetic location: 16q21.
Variant type: single nucleotide variant.
Coding change: c.655T>C on transcript NM_004614.5 (MANE Select); coding-DNA position 655, T replaced by C.
Protein change: p.Trp219Arg; replaces tryptophan 219 with arginine.
Molecular consequence: missense variant. On other transcripts: synonymous variant (1), non-coding transcript variant (1).
Genome position (GRCh38, 1-based): chr16:66,513,775, A>G on the plus strand (T>C on the coding strand, the complement: TK2 is on the minus strand). VCF-style: chr16-66513775-A-G. GRCh37 (hg19) VCF-style: chr16-66547678-A-G.
Other names: c.562T>C, p.Trp188Arg (NM_001172643.1); c.580T>C, p.Trp194Arg (NM_001172644.2); c.601T>C, p.Trp201Arg (NM_001172645.2); c.508T>C, p.Trp170Arg (NM_001271934.2); c.393T>C, p.Ser131= (NM_001271935.1); c.364T>C, p.Trp122Arg (NM_001272050.2); short protein forms W122R, W170R, W188R, W194R, W201R, W219R.
Identifiers: ClinVar variation 694441 (VCV000694441.3), dbSNP rs748655443, ClinGen allele CA8093590.
Genomic context (GRCh38, chr16:66,513,775, plus strand): 5'-AGGGAGTCTTACTTACCAGAACAGGGGCTGCCATGGGGAAAAGGCTGCCTTTGATGAGCC[A>G]CTCCTCATGGAGATGGTGAATTGCTTCCAGGTATTCCTGCCAGGGAAACACAAGCAGTCT-3'
Protein context (NP_004605.4, residues 209-229): LEAIHHLHEE[Trp219Arg]LIKGSLFPMA

ClinVar aggregate classification (germline): Conflicting classifications of pathogenicity. Review status: criteria provided, conflicting classifications (1 of 4 stars). 2 submissions from 2 submitters: Likely pathogenic (1); Uncertain significance (1). Last evaluated 2025-11-24.

Conditions:
Mitochondrial disease. Also called: Mitochondrial disorder; Mitochondrial disorders. Identifiers: Orphanet 68380, MedGen C0751651, MeSH D028361, MONDO:0044970.
Mitochondrial DNA depletion syndrome, myopathic form (MTDPS2). Also called: MITOCHONDRIAL DNA DEPLETION SYNDROME 2 (MYOPATHIC TYPE); MITOCHONDRIAL DNA DEPLETION MYOPATHY, TK2-RELATED; TK2-Related Mitochondrial DNA Maintenance Defect, Myopathic Form. Identifiers: Orphanet 254875, MedGen C3149750, MONDO:0012301, OMIM 609560.

Allele frequency attached by ClinVar (database versions not stated): ExAC 0.00001; gnomAD exomes below 0.00001.
gnomAD v4.1: 1 of 1,613,894 alleles (0.000062%); highest among the groups gnomAD compares: Non-Finnish European, 0.000085%; no homozygotes.

Submissions (2):

Genomenon, Inc
Classification: Uncertain significance for Mitochondrial disease. Last evaluated: 2025-11-24. Review status: criteria provided, single submitter. Criteria: Genomenon Sequence Variant Interpretation Standards - Updated. Collection method: curation. Allele origin: germline. Affected: yes.
Comment: TK2 p.Trp219Arg (c.655T>C) is a missense variant that changes the amino acid at residue 219 from Tryptophan to Arginine. This variant has been observed in a proband affected with mitochondrial disease in the compound heterozygous state (33486010). This variant is not present at a significant frequency in gnomAD, and in silico models agree that this variant is possibly or probably damaging. In conclusion, we classify TK2 p.Trp219Arg (c.655T>C) as a variant of uncertain significance.

Laboratory of Inherited Metabolic Diseases, Research centre for medical genetics
Classification: Likely pathogenic for Mitochondrial DNA depletion syndrome, myopathic form. Last evaluated: 2019-07-17. Review status: criteria provided, single submitter. Criteria: ACMG Guidelines, 2015. Collection method: clinical testing. Allele origin: germline. Inheritance: Autosomal recessive inheritance. Affected: yes.
Comment: found in compound with c.323C>T (p.T108M)

Literature cited by the submitters: PubMed 33486010 (cited by Genomenon, Inc).